The following is an entry in ClinVar:

NM_203447.4(DOCK8):c.1330A>G (p.Arg444Gly)

Gene: DOCK8 (dedicator of cytokinesis 8; plus strand). Cytogenetic location: 9p24.3.
Variant type: single nucleotide variant.
Coding change: c.1330A>G on transcript NM_203447.4 (MANE Select); coding-DNA position 1330, A replaced by G.
Protein change: p.Arg444Gly; replaces arginine 444 with glycine.
Molecular consequence: missense variant.
Genome position (GRCh38, 1-based): chr9:336,626, A>G. VCF-style: chr9-336626-A-G. GRCh37 (hg19) VCF-style: chr9-336626-A-G.
Other names: c.1126A>G, p.Arg376Gly (NM_001190458.2, NM_001193536.2); short protein forms R376G, R444G.
Identifiers: ClinVar variation 1061442 (VCV001061442.9), dbSNP rs2130896209, ClinGen allele CA372753254.

ClinVar aggregate classification (germline): Uncertain significance (1 of 4 stars; one submission).

Conditions:
Combined immunodeficiency due to DOCK8 deficiency (HIES2). Also called: Hyper-IgE recurrent infection syndrome, autosomal recessive; DOCK8 Deficiency; HYPER-IgE RECURRENT INFECTION SYNDROME 2, AUTOSOMAL RECESSIVE; HYPER-IgE SYNDROME 2, AUTOSOMAL RECESSIVE, WITH RECURRENT INFECTIONS; HIES autosomal recessive. Identifiers: Orphanet 217390, MedGen C4722305, MONDO:0009478, OMIM 243700.

Submission:

Labcorp Genetics (formerly Invitae), Labcorp
Classification: Uncertain significance for Combined immunodeficiency due to DOCK8 deficiency. Last evaluated: 2020-03-12. Review status: criteria provided, single submitter. Criteria: Invitae Variant Classification Sherloc (09022015). Collection method: clinical testing. Allele origin: germline.
Comment: This sequence change replaces arginine with glycine at codon 444 of the DOCK8 protein (p.Arg444Gly). The arginine residue is highly conserved and there is a moderate physicochemical difference between arginine and glycine. In summary, the available evidence is currently insufficient to determine the role of this variant in disease. Therefore, it has been classified as a Variant of Uncertain Significance. Algorithms developed to predict the effect of missense changes on protein structure and function are either unavailable or do not agree on the potential impact of this missense change (SIFT: "Deleterious"; PolyPhen-2: "Possibly Damaging"; Align-GVGD: "Class C0"). This variant has not been reported in the literature in individuals with DOCK8-related conditions. This variant is not present in population databases (ExAC no frequency).